The following is an entry in ClinVar:

NM_033305.3(VPS13A):c.3232G>T (p.Glu1078Ter)

Gene: VPS13A (vacuolar protein sorting 13 homolog A; plus strand). Cytogenetic location: 9q21.2.
Variant type: single nucleotide variant.
Coding change: c.3232G>T on transcript NM_033305.3 (MANE Select); coding-DNA position 3232, G replaced by T.
Protein change: p.Glu1078Ter; replaces glutamic acid 1078 with a stop codon.
Molecular consequence: nonsense. On other transcripts: intron variant (1).
Genome position (GRCh38, 1-based): chr9:77,283,468, G>T. VCF-style: chr9-77283468-G-T. GRCh37 (hg19) VCF-style: chr9-79898384-G-T.
Other names: c.3232G>T (NM_033305.2); c.3232G>T, p.Glu1078Ter (NM_001018038.3, NM_015186.4); c.3119-79G>T (NM_001018037.2); short protein forms E1078*.
Identifiers: ClinVar variation 1070929 (VCV001070929.11), dbSNP rs1827161118, ClinGen allele CA373847002.

ClinVar aggregate classification (germline): Pathogenic. Review status: criteria provided, multiple submitters, no conflicts (2 of 4 stars). 3 submissions from 3 submitters: Pathogenic (3). Last evaluated 2025-10-10.

Conditions:
VPS13A-related neurodegenerative disease. Also called: LEVINE-CRITCHLEY SYNDROME; Choreoacanthocytosis; ACANTHOCYTOSIS WITH NEUROLOGIC DISORDER; Chorea-acanthocytosis; Choreaacanthocytosis; VPS13A Disease. Identifiers: Orphanet 2388, MedGen C0393576, MONDO:0008695, OMIM 200150.

Allele frequency attached by ClinVar (database versions not stated): gnomAD 0.00001.
gnomAD v4.1: 1 of 1,599,404 alleles (0.000063%); highest among the groups gnomAD compares: Admixed American, 0.0017%; no homozygotes.

Submissions (3):

Natera, Inc.
Classification: Pathogenic for Choreaacanthocytosis. Last evaluated: 2025-10-10. Review status: criteria provided, single submitter. Criteria: Natera Variant Classification Schema (03/2026). Collection method: clinical testing. Allele origin: germline.
Comment: The c.3232G>T variant in VPS13A is a nonsense variant predicted to introduce a stop codon at amino acid 1078. This variant is expected to result in nonsense mediated decay, truncation, or a dysfunctional protein product. This variant is rare in the general population with a frequency below the threshold expected for the associated phenotype(s). This variant has been observed in one or more individuals affected with the associated recessive disease, as either homozygous or compound heterozygous with a second variant (PMID: 35926480). Given the available evidence, this variant is classified as Pathogenic.

Labcorp Genetics (formerly Invitae), Labcorp
Classification: Pathogenic. Last evaluated: 2024-10-11. Review status: criteria provided, single submitter. Criteria: Invitae Variant Classification Sherloc (09022015). Collection method: clinical testing. Allele origin: germline.
Comment: This sequence change creates a premature translational stop signal (p.Glu1078*) in the VPS13A gene. It is expected to result in an absent or disrupted protein product. Loss-of-function variants in VPS13A are known to be pathogenic (PMID: 12404112, 21598378). This variant is not present in population databases (gnomAD no frequency). This variant has not been reported in the literature in individuals affected with VPS13A-related conditions. ClinVar contains an entry for this variant (Variation ID: 1070929). For these reasons, this variant has been classified as Pathogenic.

3billion
Classification: Pathogenic for VPS13A-related neurodegenerative disease. Last evaluated: 2022-09-01. Review status: criteria provided, single submitter. Criteria: ACMG Guidelines, 2015. Collection method: clinical testing. Allele origin: germline. Affected: yes. Observed: 1 homozygote.
Comment: The variant is not observed in the gnomAD v2.1.1 dataset. Stop-gained (nonsense) is predicted to result in a loss or disruption of normal protein function through nonsense-mediated decay (NMD) or protein truncation. Multiple pathogenic variants are reported downstream of the variant. The variant has been reported to be associated with VPS13A-related disorder (ClinVar ID: VCV001070929). Therefore, this variant is classified as Pathogenic according to the recommendation of ACMG/AMP guideline.

Literature cited by the submitters: PubMed 35926480 (cited by Natera, Inc.); PubMed 12404112 (cited by Labcorp Genetics (formerly Invitae), Labcorp); PubMed 21598378 (cited by Labcorp Genetics (formerly Invitae), Labcorp).